The following is an entry in ClinVar:

NM_004629.2(FANCG):c.1556G>C (p.Ser519Thr)

Gene: FANCG (FA complementation group G; minus strand). Cytogenetic location: 9p13.3.
Variant type: single nucleotide variant.
Coding change: c.1556G>C on transcript NM_004629.2 (MANE Select); coding-DNA position 1556, G replaced by C.
Protein change: p.Ser519Thr; replaces serine 519 with threonine.
Molecular consequence: missense variant.
Genome position (GRCh38, 1-based): chr9:35,075,007, C>G on the plus strand (G>C on the coding strand, the complement: FANCG is on the minus strand). VCF-style: chr9-35075007-C-G. GRCh37 (hg19) VCF-style: chr9-35075004-C-G.
Other names: short protein forms S519T.
Identifiers: ClinVar variation 4619353 (VCV004619353.1).
Genomic context (GRCh38, chr9:35,075,007, plus strand): 5'-AGGAGGAAGTCCTGTAAGGCTTTGGTATCCTGGCCGCTGGCTACCCATTCCAGTCCACGA[C>G]TAATTAGGGCGGCTGCCCGAAGCTGCTGCAGTGCCGCATCTGACTTACATCCCTGCTCAC-3'
Protein context (NP_004620.1, residues 509-529): LQQLRAAALI[Ser519Thr]RGLEWVASGQ

ClinVar aggregate classification (germline): Uncertain significance (1 of 4 stars; one submission).

Conditions:
Inborn genetic diseases. Identifiers: MedGen C0950123, MeSH D030342.

Submission:

Ambry Genetics
Classification: Uncertain significance for Inborn genetic diseases. Last evaluated: 2025-09-23. Review status: criteria provided, single submitter. Criteria: Ambry Variant Classification Scheme 2023. Collection method: clinical testing. Allele origin: germline.
Comment: The p.S519T variant (also known as c.1556G>C), located in coding exon 12 of the FANCG gene, results from a G to C substitution at nucleotide position 1556. The serine at codon 519 is replaced by threonine, an amino acid with similar properties. This amino acid position is conserved. In addition, this alteration is predicted to be tolerated by in silico analysis. Based on the available evidence, the clinical significance of this variant remains unclear.